The following is an entry in ClinVar:

NM_001371596.2(MFSD8):c.1102+13A>G

Gene: MFSD8 (major facilitator superfamily domain containing 8; minus strand). Cytogenetic location: 4q28.2.
Variant type: single nucleotide variant.
Coding change: c.1102+13A>G on transcript NM_001371596.2 (MANE Select); 13 bases into the intron after coding-DNA position 1102, A replaced by G.
Molecular consequence: intron variant.
Genome position (GRCh38, 1-based): chr4:127,921,847, T>C on the plus strand (A>G on the coding strand, the complement: MFSD8 is on the minus strand). VCF-style: chr4-127921847-T-C. GRCh37 (hg19) VCF-style: chr4-128843002-T-C.
Other names: c.820+13A>G (NM_001371595.1); c.652+13A>G (NM_001410765.1); c.967+13A>G (NM_001371590.2); c.1102+13A>G (NM_152778.4, NM_001371591.2); c.787+13A>G (NM_001363521.3); c.885-76A>G (NM_001410766.1); c.988+13A>G (NM_001371593.2); c.901+13A>G (NM_001363520.3); and 2 more.
Identifiers: ClinVar variation 517988 (VCV000517988.9), dbSNP rs371975482, ClinGen allele CA3077297.

ClinVar aggregate classification (germline): Likely benign. Review status: criteria provided, multiple submitters, no conflicts (2 of 4 stars). 3 submissions from 3 submitters: Likely benign (3). Last evaluated 2025-09-24.

Conditions:
Neuronal ceroid lipofuscinosis 7 (CLN7). Also called: MFSD8-Related Neuronal Ceroid-Lipofuscinosis. Identifiers: Orphanet 168491, Orphanet 228366, MedGen C1838571, MONDO:0012588, OMIM 610951.

Allele frequency attached by ClinVar (database versions not stated): gnomAD exomes 0.00001 and 0.00003; ExAC 0.00002; TOPMed 0.00003; gnomAD 0.00007 and 0.00008; ESP Exome Variant Server 0.00015.
gnomAD v4.1: 21 of 1,613,772 alleles (0.0013%); highest among the groups gnomAD compares: Admixed American, 0.015%; no homozygotes.

Submissions (3):

Labcorp Genetics (formerly Invitae), Labcorp
Classification: Likely benign for Neuronal ceroid lipofuscinosis 7. Last evaluated: 2025-09-24. Review status: criteria provided, single submitter. Criteria: Invitae Variant Classification Sherloc (09022015). Collection method: clinical testing. Allele origin: germline.

Blueprint Genetics
Classification: Likely benign. Last evaluated: 2022-09-02. Review status: criteria provided, single submitter. Criteria: ACMG Guidelines, 2015. Collection method: clinical testing. Allele origin: germline.

GeneDx
Classification: Likely benign. Last evaluated: 2017-06-13. Review status: criteria provided, single submitter. Criteria: GeneDx Variant Classification (06012015). Collection method: clinical testing. Allele origin: germline. Affected: yes.
Comment: This variant is considered likely benign or benign based on one or more of the following criteria: it is a conservative change, it occurs at a poorly conserved position in the protein, it is predicted to be benign by multiple in silico algorithms, and/or has population frequency not consistent with disease.